The following is an entry in ClinVar:

ClinVar aggregate classification (germline): Likely benign. Review status: criteria provided, multiple submitters, no conflicts (2 of 4 stars). 2 submissions from 2 submitters: Likely benign (2). Last evaluated 2026-01-05.

Conditions:
Mucopolysaccharidosis, MPS-IV-A (MPS4A). Also called: Mucopolysaccharidosis type IV A; Mucopolysaccharidosis Type IVA; MORQUIO SYNDROME A; MPS IVA; GALACTOSAMINE-6-SULFATASE DEFICIENCY; GALNS DEFICIENCY. Identifiers: Orphanet 309297, Orphanet 582, MedGen C0086651, MONDO:0009659, OMIM 253000.

Allele frequency attached by ClinVar (database versions not stated): gnomAD exomes 0.00003 and 0.00015; ExAC 0.00007; gnomAD 0.00009; TOPMed 0.00014; ESP Exome Variant Server 0.00031.

Submissions (2):

Labcorp Genetics (formerly Invitae), Labcorp
Classification: Likely benign for Mucopolysaccharidosis, MPS-IV-A. Last evaluated: 2026-01-05. Review status: criteria provided, single submitter. Criteria: Invitae Variant Classification Sherloc (09022015). Collection method: clinical testing. Allele origin: germline.

CeGaT Center for Human Genetics Tuebingen
Classification: Likely benign. Last evaluated: 2023-11-01. Review status: criteria provided, single submitter. Criteria: CeGaT Center For Human Genetics Tuebingen Variant Classification Criteria Version 2. Collection method: clinical testing. Allele origin: germline. Affected: yes. Observed: 1 variant allele.
Comment: GALNS: BP4, BP7

NM_000512.5(GALNS):c.138C>T (p.Leu46=)

Gene: GALNS (galactosamine (N-acetyl)-6-sulfatase; minus strand). Cytogenetic location: 16q24.3.
Variant type: single nucleotide variant.
Coding change: c.138C>T on transcript NM_000512.5 (MANE Select); coding-DNA position 138, C replaced by T.
Protein change: p.Leu46=; no amino-acid change (leucine 46 retained).
Molecular consequence: synonymous variant. On other transcripts: intron variant (1).
Genome position (GRCh38, 1-based): chr16:88,842,812, G>A on the plus strand (C>T on the coding strand, the complement: GALNS is on the minus strand). VCF-style: chr16-88842812-G-A. GRCh37 (hg19) VCF-style: chr16-88909220-G-A.
Other names: c.156C>T, p.Leu52= (NM_001323544.2); c.-311-841C>T (NM_001323543.2).
Identifiers: ClinVar variation 1160160 (VCV001160160.31), dbSNP rs140588640, ClinGen allele CA8235280.